The following is an entry in ClinVar:

NM_005751.5(AKAP9):c.351G>A (p.Glu117=)

Gene: AKAP9 (A-kinase anchoring protein 9; plus strand). Cytogenetic location: 7q21.2.
Variant type: single nucleotide variant.
Coding change: c.351G>A on transcript NM_005751.5 (MANE Select); coding-DNA position 351, G replaced by A.
Protein change: p.Glu117=; no amino-acid change (glutamic acid 117 retained).
Molecular consequence: synonymous variant.
Genome position (GRCh38, 1-based): chr7:91,980,333, G>A. VCF-style: chr7-91980333-G-A. GRCh37 (hg19) VCF-style: chr7-91609647-G-A.
Other names: c.351G>A, p.Glu117= (NM_147185.3).
Identifiers: ClinVar variation 3714560 (VCV003714560.2).

ClinVar aggregate classification (germline): Uncertain significance (1 of 4 stars; one submission).

Conditions:
Long QT syndrome (LQTS). Identifiers: MedGen C0023976, MeSH D008133, MONDO:0002442. Disease mechanism: loss of function. Inheritance: Various modes of inheritance.

gnomAD v4.1: 4 of 1,536,330 alleles (0.00026%); highest among the groups gnomAD compares: African/African-American, 0.0027%; no homozygotes.

Submission:

Labcorp Genetics (formerly Invitae), Labcorp
Classification: Uncertain significance for Long QT syndrome. Last evaluated: 2024-02-22. Review status: criteria provided, single submitter. Criteria: Invitae Variant Classification Sherloc (09022015). Collection method: clinical testing. Allele origin: germline.
Comment: This sequence change affects codon 117 of the AKAP9 mRNA. It is a 'silent' change, meaning that it does not change the encoded amino acid sequence of the AKAP9 protein. This variant also falls at the last nucleotide of exon 3, which is part of the consensus splice site for this exon. This variant is present in population databases (no rsID available, gnomAD 0.003%). This variant has not been reported in the literature in individuals affected with AKAP9-related conditions. Variants that disrupt the consensus splice site are a relatively common cause of aberrant splicing (PMID: 17576681, 9536098). Algorithms developed to predict the effect of sequence changes on RNA splicing suggest that this variant is not likely to affect RNA splicing. In summary, the available evidence is currently insufficient to determine the role of this variant in disease. Therefore, it has been classified as a Variant of Uncertain Significance.

Literature cited by the submitters: PubMed 17576681; PubMed 9536098.